The following is an entry in ClinVar:

ClinVar aggregate classification (germline): Benign (1 of 4 stars; one submission).

Conditions:
Fanconi-Bickel syndrome (FBS). Also called: HEPATIC GLYCOGENOSIS WITH FANCONI NEPHROPATHY; HEPATORENAL GLYCOGENOSIS WITH RENAL FANCONI SYNDROME; PSEUDO-PHLORIZIN DIABETES; Glycogen storage disease due to GLUT2 deficiency; FANCONI SYNDROME WITH INTESTINAL MALABSORPTION AND GALACTOSE INTOLERANCE; HEPATIC GLYCOGENOSIS WITH AMINO ACIDURIA AND GLUCOSURIA. Identifiers: Orphanet 2088, MedGen C3495427, MONDO:0009216, OMIM 227810.

Allele frequency attached by ClinVar (database versions not stated): gnomAD 0.01278 and 0.01361; TOPMed 0.01421; 1000 Genomes Project 0.01498; 1000 Genomes Project 30x 0.01624.
gnomAD v4.1: 2,062 of 209,272 alleles (0.99%); highest among the groups gnomAD compares: African/African-American, 4.4%; 50 homozygotes.

Submission:

Illumina Laboratory Services, Illumina
Classification: Benign for Fanconi-Bickel syndrome. Last evaluated: 2018-01-12. Review status: criteria provided, single submitter. Criteria: ICSL Variant Classification Criteria 13 December 2019. Collection method: clinical testing. Allele origin: germline.
Comment: This variant was observed in the ICSL laboratory as part of a predisposition screen in an ostensibly healthy population. It had not been previously curated by ICSL or reported in the Human Gene Mutation Database (HGMD: prior to June 1st, 2018), and was therefore a candidate for classification through an automated scoring system. Utilizing variant allele frequency, disease prevalence and penetrance estimates, and inheritance mode, an automated score was calculated to assess if this variant is too frequent to cause the disease. Based on the score and internal cut-off values, a variant classified as benign is not then subjected to further curation. The score for this variant resulted in a classification of benign for this disease.

NM_000340.2(SLC2A2):c.*909C>T

Gene: SLC2A2 (solute carrier family 2 member 2; minus strand). Cytogenetic location: 3q26.2.
Variant type: single nucleotide variant.
Coding change: c.*909C>T on transcript NM_000340.2 (MANE Select); 909 bases downstream of the stop codon, C replaced by T.
Molecular consequence: 3 prime UTR variant.
Genome position (GRCh38, 1-based): chr3:170,996,994, G>A on the plus strand (C>T on the coding strand, the complement: SLC2A2 is on the minus strand). VCF-style: chr3-170996994-G-A. GRCh37 (hg19) VCF-style: chr3-170714783-G-A.
Other names: c.*909C>T (NM_001278658.2, NM_001278659.2).
Identifiers: ClinVar variation 344143 (VCV000344143.5), dbSNP rs77733690, ClinGen allele CA10615289.